The following is an entry in ClinVar:

ClinVar aggregate classification (germline): Pathogenic (1 of 4 stars; one submission).

Conditions:
Nephronophthisis. Also called: Juvenile Nephronophthisis. Identifiers: Orphanet 655, MedGen C0687120, MONDO:0019005, HP:0000090.

Submission:

Labcorp Genetics (formerly Invitae), Labcorp
Classification: Pathogenic for Nephronophthisis. Last evaluated: 2023-01-19. Review status: criteria provided, single submitter. Criteria: Invitae Variant Classification Sherloc (09022015). Collection method: clinical testing. Allele origin: germline.
Comment: This variant is a gross deletion of the genomic region encompassing exon(s) 3 of the INVS gene. This deletion is out-of-frame, and is expected to create a premature termination codon and result in an absent or disrupted protein product. Loss-of-function variants in INVS are known to be pathogenic (PMID: 12872123). For these reasons, this variant has been classified as Pathogenic. A similar copy number variant has been observed in individual(s) with clinical features of nephronophthisis (PMID: 32335886).

Literature cited by the submitters: PubMed 12872123; PubMed 32335886.

NC_000009.12:g.(?_100126363)_(100126569_?)del

Gene: INVS (inversin; plus strand). Cytogenetic location: 9q31.1.
Variant type: Deletion.
Identifiers: ClinVar variation 583808 (VCV000583808.6).